The following is an entry in ClinVar:

ClinVar aggregate classification (germline): Conflicting classifications of pathogenicity. Review status: criteria provided, conflicting classifications (1 of 4 stars). 3 submissions from 3 submitters: Uncertain significance (1); Likely benign (1). 1 of the submissions does not count toward it. Last evaluated 2024-04-08.

Conditions:
ALDH5A1-related disorder. Also called: ALDH5A1-related condition.
Succinate-semialdehyde dehydrogenase deficiency (SSADHD). Also called: Succinic Semialdehyde Dehydrogenase Deficiency; 4-HYDROXYBUTYRIC ACIDURIA; GABA METABOLIC DEFECT; SSADH DEFICIENCY. Identifiers: Orphanet 22, MedGen C0268631, MONDO:0010083, OMIM 271980.

Allele frequency attached by ClinVar (database versions not stated): ExAC 0.00001; TOPMed 0.00001; gnomAD exomes 0.00002.
gnomAD v4.1: 22 of 1,613,508 alleles (0.0014%); highest among the groups gnomAD compares: Non-Finnish European, 0.0017%; no homozygotes.

Submissions (3):

Labcorp Genetics (formerly Invitae), Labcorp
Classification: Likely benign for Succinate-semialdehyde dehydrogenase deficiency. Last evaluated: 2024-04-08. Review status: criteria provided, single submitter. Criteria: Invitae Variant Classification Sherloc (09022015). Collection method: clinical testing. Allele origin: germline.

CeGaT Center for Human Genetics Tuebingen
Classification: Uncertain significance. Last evaluated: 2018-05-01. Review status: criteria provided, single submitter. Criteria: CeGaT Center For Human Genetics Tuebingen Variant Classification Criteria Version 2. Collection method: clinical testing. Allele origin: germline. Affected: yes. Observed: 1 variant allele.

PreventionGenetics, part of Exact Sciences
Classification: Likely benign for ALDH5A1-related condition. Last evaluated: 2021-11-02. Review status: no assertion criteria provided. Collection method: clinical testing. Allele origin: germline. Not counted in ClinVar's aggregate classification.
Comment: This variant is classified as likely benign based on ACMG/AMP sequence variant interpretation guidelines (Richards et al. 2015 PMID: 25741868, with internal and published modifications).

NM_001080.3(ALDH5A1):c.1343+8C>T

Gene: ALDH5A1 (aldehyde dehydrogenase 5 family member A1; plus strand). Cytogenetic location: 6p22.3.
Variant type: single nucleotide variant.
Coding change: c.1343+8C>T on transcript NM_001080.3 (MANE Select); 8 bases into the intron after coding-DNA position 1343, C replaced by T.
Molecular consequence: intron variant.
Genome position (GRCh38, 1-based): chr6:24,528,174, C>T. VCF-style: chr6-24528174-C-T. GRCh37 (hg19) VCF-style: chr6-24528402-C-T.
Other names: c.1382+8C>T (NM_170740.1); c.1199+8C>T (NM_001368954.1).
Identifiers: ClinVar variation 809884 (VCV000809884.46), dbSNP rs775916984, ClinGen allele CA3656910.